The following is an entry in ClinVar:

ClinVar aggregate classification (germline): Uncertain significance. Review status: criteria provided, multiple submitters, no conflicts (2 of 4 stars). 2 submissions from 2 submitters: Uncertain significance (2). Last evaluated 2025-08-24.

Conditions:
Malignant hyperthermia, susceptibility to, 1 (MHS1). Also called: Anesthesia related hyperthermia; Malignant hyperpyrexia; Fulminating hyperpyrexia; Pharmacogenic myopathy; RYR1-Related Malignant Hyperthermia Susceptibility; Malignant hyperthermia suceptibility 1. Identifiers: Orphanet 423, MedGen C2930980, MONDO:0007783, OMIM 145600.

gnomAD v4.1: 1 of 1,614,178 alleles (0.000062%); no homozygotes.

Submissions (2):

Color Diagnostics, LLC DBA Color Health
Classification: Uncertain significance for Malignant hyperthermia, susceptibility to, 1. Last evaluated: 2025-08-24. Review status: criteria provided, single submitter. Criteria: ACMG Guidelines, 2015. Collection method: clinical testing. Allele origin: germline.
Comment: This missense variant replaces glutamic acid with lysine at codon 3718 of the RYR1 protein. Computational prediction is inconclusive regarding the impact of this variant on protein structure and function. To our knowledge, functional studies have not been reported for this variant. This variant has not been reported in individuals affected with RYR1-related disorders in the literature. This variant has not been identified in the general population by the Genome Aggregation Database (gnomAD). The available evidence is insufficient to determine the role of this variant in disease conclusively. Therefore, this variant is classified as a Variant of Uncertain Significance.

All of Us Research Program, National Institutes of Health
Classification: Uncertain significance for Malignant hyperthermia, susceptibility to, 1. Last evaluated: 2024-01-11. Review status: criteria provided, single submitter. Criteria: ACMG Guidelines, 2015. Collection method: clinical testing. Allele origin: germline. Inheritance: Autosomal dominant inheritance. Observed: 1 variant allele, 1 heterozygote.
Comment: This study involves interpretation of variants in research participants for the purpose of population health screening. Participant phenotype was not available at the time of variant classification. Additional details can be found in publication PMID: 35346344, PMCID: PMC8962531

NM_000540.3(RYR1):c.11152G>A (p.Glu3718Lys)

Gene: RYR1 (ryanodine receptor 1; plus strand). Cytogenetic location: 19q13.2.
Variant type: single nucleotide variant.
Coding change: c.11152G>A on transcript NM_000540.3 (MANE Select); coding-DNA position 11152, G replaced by A.
Protein change: p.Glu3718Lys; replaces glutamic acid 3718 with lysine.
Molecular consequence: missense variant.
Genome position (GRCh38, 1-based): chr19:38,532,500, G>A. VCF-style: chr19-38532500-G-A. GRCh37 (hg19) VCF-style: chr19-39023140-G-A.
Other names: c.11137G>A, p.Glu3713Lys (NM_001042723.2); short protein forms E3713K, E3718K.
Identifiers: ClinVar variation 3075225 (VCV003075225.2), dbSNP rs2514515708, ClinGen allele CA405652267.